The following is an entry in ClinVar:

ClinVar aggregate classification (germline): Uncertain significance (1 of 4 stars; one submission).

Conditions:
Hereditary cancer-predisposing syndrome. Also called: Tumor predisposition; Hereditary Cancer Syndrome; Hereditary neoplastic syndrome; Neoplastic Syndromes, Hereditary. Identifiers: Orphanet 140162, MedGen C0027672, MeSH D009386, MONDO:0015356.

Allele frequency attached by ClinVar (database versions not stated): gnomAD 0.00001.

Submission:

Ambry Genetics
Classification: Uncertain significance for Hereditary cancer-predisposing syndrome. Last evaluated: 2024-10-24. Review status: criteria provided, single submitter. Criteria: Ambry Variant Classification Scheme 2023. Collection method: clinical testing. Allele origin: germline.
Comment: The p.H54P variant (also known as c.161A>C), located in coding exon 1 of the SMARCA4 gene, results from an A to C substitution at nucleotide position 161. The histidine at codon 54 is replaced by proline, an amino acid with similar properties. This amino acid position is highly conserved in available vertebrate species. In addition, the in silico prediction for this alteration is inconclusive. Based on the available evidence, the clinical significance of this variant remains unclear.

NM_003072.5(SMARCA4):c.161A>C (p.His54Pro)

Gene: SMARCA4 (SWI/SNF related BAF chromatin remodeling complex subunit ATPase 4; plus strand). Cytogenetic location: 19p13.2.
Variant type: single nucleotide variant.
Coding change: c.161A>C on transcript NM_003072.5 (MANE Select); coding-DNA position 161, A replaced by C.
Protein change: p.His54Pro; replaces histidine 54 with proline.
Molecular consequence: missense variant. On other transcripts: non-coding transcript variant (1).
Genome position (GRCh38, 1-based): chr19:10,984,312, A>C. VCF-style: chr19-10984312-A-C. GRCh37 (hg19) VCF-style: chr19-11094988-A-C.
Other names: c.161A>C, p.His54Pro (NM_001128844.3, NM_001128845.2, NM_001128846.2 and 6 more transcripts); short protein forms H54P.
Identifiers: ClinVar variation 2587149 (VCV002587149.3), dbSNP rs1348866967, ClinGen allele CA404054506.